The following is an entry in ClinVar:

NM_001611.5(ACP5):c.831_833del (p.Tyr278del)

Gene: ACP5 (acid phosphatase 5, tartrate resistant; minus strand). Cytogenetic location: 19p13.2.
Variant type: Deletion.
Coding change: c.831_833del on transcript NM_001611.5 (MANE Select); coding-DNA positions 831 to 833, 3 bases deleted (CTA; older notation c.831_833delCTA).
Protein change: p.Tyr278del; deletes tyrosine 278.
Molecular consequence: inframe deletion.
Genome position (GRCh38, 1-based): chr19:11,575,155-11,575,157, TAG deleted on the plus strand (CTA on the coding strand, the reverse complement: ACP5 is on the minus strand). VCF-style (leftmost placement, unchanged base first): chr19-11575154-ATAG-A. GRCh37 (hg19) VCF-style: chr19-11685969-ATAG-A.
Other names: c.831_833del, p.Tyr278del (LRG_1218t1, NM_001111034.3, NM_001111035.3 and 2 more transcripts); c.831_833delCTA (NM_001111035.1); short protein forms Y278del.
Identifiers: ClinVar variation 29834 (VCV000029834.9), dbSNP rs387906671, ClinGen allele CA128680.

ClinVar aggregate classification (germline): Uncertain significance. Review status: criteria provided, multiple submitters, no conflicts (2 of 4 stars). 4 submissions from 4 submitters: Uncertain significance (3). 1 of the submissions does not count toward it. Last evaluated 2024-12-26.

Conditions:
Inborn genetic diseases. Identifiers: MedGen C0950123, MeSH D030342.
Spondyloenchondrodysplasia with immune dysregulation (SPENCDI). Also called: SPONDYLOENCHONDRODYSPLASIA WITH OR WITHOUT IMMUNE DYSREGULATION; COMBINED IMMUNODEFICIENCY WITH AUTOIMMUNITY AND SPONDYLOMETAPHYSEAL DYSPLASIA; ROIFMAN IMMUNOSKELETAL SYNDROME. Identifiers: Orphanet 1855, MedGen C1842763, MONDO:0011939, OMIM 607944.

Allele frequency attached by ClinVar (database versions not stated): gnomAD 0.00001; TOPMed below 0.00001; gnomAD exomes below 0.00001.

Submissions (4):

Ambry Genetics
Classification: Uncertain significance for Inborn genetic diseases. Last evaluated: 2024-12-26. Review status: criteria provided, single submitter. Criteria: Ambry Variant Classification Scheme 2023. Collection method: clinical testing. Allele origin: germline.
Comment: The c.831_833delCTA (p.Y278del) alteration is located in exon 7 (coding exon 4) of the ACP5 gene. This alteration consists of an in-frame deletion of 3 nucleotides between nucleotide positions c.831 and c.833, resulting in the deletion of 1 residue. Based on insufficient or conflicting evidence, the clinical significance of this alteration remains unclear.

Labcorp Genetics (formerly Invitae), Labcorp
Classification: Uncertain significance for Spondyloenchondrodysplasia with immune dysregulation. Last evaluated: 2022-05-08. Review status: criteria provided, single submitter. Criteria: Invitae Variant Classification Sherloc (09022015). Collection method: clinical testing. Allele origin: germline.
Comment: This variant has been observed in individual(s) with spondyloenchondrodysplasia with immune dysregulation (PMID: 21217752). In summary, the available evidence is currently insufficient to determine the role of this variant in disease. Therefore, it has been classified as a Variant of Uncertain Significance. Experimental studies and prediction algorithms are not available or were not evaluated, and the functional significance of this variant is currently unknown. ClinVar contains an entry for this variant (Variation ID: 29834). This variant is present in population databases (rs387906671, gnomAD 0.0009%). This variant, c.831_833del, results in the deletion of 1 amino acid(s) of the ACP5 protein (p.Tyr278del), but otherwise preserves the integrity of the reading frame.

Blueprint Genetics
Classification: Uncertain significance. Last evaluated: 2020-03-04. Review status: criteria provided, single submitter. Criteria: ACMG Guidelines, 2015. Collection method: clinical testing. Allele origin: germline.

OMIM
Classification: Pathogenic for SPONDYLOENCHONDRODYSPLASIA WITH IMMUNE DYSREGULATION. Last evaluated: 2011-02-01. Review status: no assertion criteria provided. Collection method: literature only. Allele origin: germline. Not counted in ClinVar's aggregate classification.

Literature cited by the submitters: PubMed 21217752 (cited by 3 submitters); PubMed 13524805 (cited by OMIM); PubMed 16470600 (cited by OMIM).